The following is an entry in ClinVar:

ClinVar aggregate classification (germline): Likely pathogenic (1 of 4 stars; one submission).

Submission:

GeneDx
Classification: Likely pathogenic. Last evaluated: 2016-02-07. Review status: criteria provided, single submitter. Criteria: GeneDx Variant Classification (06012015). Collection method: clinical testing. Allele origin: germline. Affected: yes.
Comment: The c.1259_1261dupGTC variant in the PIK3CA gene has not been reported previously as apathogenic variant, nor as a benign variant, to our knowledge. The c.1259_1261dupGTC results in aduplication of the last two bases of the p.C420 (TGT) residue and the first base of the of the p.P421(CCA) residue resulting in the insertion an arginine, denoted p.C420_P421insR. Thec.1259_1261dupGTC variant was not observed in approximately 5900 individuals of European andAfrican American ancestry in the NHLBI Exome Sequencing Project, indicating it is not a commonbenign variant in these populations. Therefore, this variant is considered to be likely pathogenic.

NM_006218.4(PIK3CA):c.1259_1261dup (p.Cys420_Pro421insArg)

Gene: PIK3CA (phosphatidylinositol-4,5-bisphosphate 3-kinase catalytic subunit alpha; plus strand). Cytogenetic location: 3q26.32.
Variant type: Duplication.
Coding change: c.1259_1261dup on transcript NM_006218.4 (MANE Select); coding-DNA positions 1259 to 1261, 3 bases duplicated (GTC; older notation c.1259_1261dupGTC).
Protein change: p.Cys420_Pro421insArg.
Molecular consequence: inframe insertion.
Genome position (GRCh38, 1-based): chr3:179,210,193-179,210,195, GTC duplicated. VCF-style (leftmost placement, unchanged base first): chr3-179210192-T-TGTC. GRCh37 (hg19) VCF-style: chr3-178927980-T-TGTC.
Identifiers: ClinVar variation 372875 (VCV000372875.2), dbSNP rs1057518041, ClinGen allele CA16042464.